The following is an entry in ClinVar:

NM_012448.4(STAT5B):c.814C>G (p.Leu272Val)

Gene: STAT5B (signal transducer and activator of transcription 5B; minus strand). Cytogenetic location: 17q21.2.
Variant type: single nucleotide variant.
Coding change: c.814C>G on transcript NM_012448.4 (MANE Select); coding-DNA position 814, C replaced by G.
Protein change: p.Leu272Val; replaces leucine 272 with valine.
Molecular consequence: missense variant.
Genome position (GRCh38, 1-based): chr17:42,219,331, G>C on the plus strand (C>G on the coding strand, the complement: STAT5B is on the minus strand). VCF-style: chr17-42219331-G-C. GRCh37 (hg19) VCF-style: chr17-40371349-G-C.
Other names: short protein forms L272V.
Identifiers: ClinVar variation 1061174 (VCV001061174.9), dbSNP rs2144250166, ClinGen allele CA399587345.

ClinVar aggregate classification (germline): Uncertain significance (1 of 4 stars; one submission).

Conditions:
Growth hormone insensitivity with immune dysregulation 1, autosomal recessive. Also called: Laron syndrome with immunodeficiency; GROWTH HORMONE INSENSITIVITY SYNDROME WITH IMMUNE DYSREGULATION 1, AUTOSOMAL RECESSIVE; GROWTH HORMONE INSENSITIVITY DUE TO POSTRECEPTOR DEFECT; LARON SYNDROME DUE TO POSTRECEPTOR DEFECT. Identifiers: Orphanet 220465, MedGen C5435698, MONDO:0100211, OMIM 245590.

Submission:

Labcorp Genetics (formerly Invitae), Labcorp
Classification: Uncertain significance for Growth hormone insensitivity with immune dysregulation 1, autosomal recessive. Last evaluated: 2020-09-11. Review status: criteria provided, single submitter. Criteria: Invitae Variant Classification Sherloc (09022015). Collection method: clinical testing. Allele origin: germline.
Comment: In summary, the available evidence is currently insufficient to determine the role of this variant in disease. Therefore, it has been classified as a Variant of Uncertain Significance. Algorithms developed to predict the effect of missense changes on protein structure and function are either unavailable or do not agree on the potential impact of this missense change (SIFT: "Deleterious"; PolyPhen-2: "Possibly Damaging"; Align-GVGD: "Class C0"). This variant has not been reported in the literature in individuals with STAT5B-related conditions. The frequency data for this variant in the population databases is considered unreliable, as metrics indicate insufficient coverage at this position in the ExAC database. This sequence change replaces leucine with valine at codon 272 of the STAT5B protein (p.Leu272Val). The leucine residue is moderately conserved and there is a small physicochemical difference between leucine and valine.